The following continues an entry in ClinVar:

NM_000540.3(RYR1):c.2996G>A (p.Arg999His)

Gene: RYR1. ClinVar aggregate classification (germline): Uncertain significance. Uncertain significance (1).

Submissions 9 to 15 of 15:

Baylor Genetics
Classification: Uncertain significance for Central core myopathy. Last evaluated: 2019-05-05. Review status: criteria provided, single submitter. Criteria: ACMG Guidelines, 2015. Collection method: clinical testing. Allele origin: paternal. Affected: yes. Not counted in ClinVar's aggregate classification.
Comment: This variant was determined to be of uncertain significance according to ACMG Guidelines, 2015 [PMID:25741868].

Illumina Laboratory Services, Illumina
Classification: Likely benign for Congenital multicore myopathy with external ophthalmoplegia. Last evaluated: 2017-04-27. Review status: criteria provided, single submitter. Criteria: ICSL Variant Classification Criteria 13 December 2019. Collection method: clinical testing. Allele origin: germline. Not counted in ClinVar's aggregate classification.
Comment: This variant was observed as part of a predisposition screen in an ostensibly healthy population. A literature search was performed for the gene, cDNA change, and amino acid change (where applicable). Publications were found based on this search. The evidence from the literature, in combination with allele frequency data from public databases where available, was sufficient to determine this variant is unlikely to cause disease. Therefore, this variant is classified as likely benign.

Illumina Laboratory Services, Illumina
Classification: Likely benign for Central core myopathy. Last evaluated: 2017-04-27. Review status: criteria provided, single submitter. Criteria: ICSL Variant Classification Criteria 13 December 2019. Collection method: clinical testing. Allele origin: germline. Not counted in ClinVar's aggregate classification.
Comment: This variant was observed as part of a predisposition screen in an ostensibly healthy population. A literature search was performed for the gene, cDNA change, and amino acid change (where applicable). No publications were found based on this search. Allele frequency data from public databases allowed determination this variant is unlikely to cause disease. Therefore, this variant is classified as likely benign.

Illumina Laboratory Services, Illumina
Classification: Likely benign for Malignant hyperthermia, susceptibility to, 1. Last evaluated: 2017-04-27. Review status: criteria provided, single submitter. Criteria: ICSL Variant Classification Criteria 13 December 2019. Collection method: clinical testing. Allele origin: germline. Not counted in ClinVar's aggregate classification.
Comment: the same text as in the submission from Illumina Laboratory Services, Illumina above.

Eurofins Ntd Llc (ga)
Classification: Uncertain significance. Last evaluated: 2016-09-15. Review status: criteria provided, single submitter. Criteria: EGL Classification Definitions 2015. Collection method: clinical testing. Allele origin: germline. Observed: 1 variant allele, 1 heterozygote. Not counted in ClinVar's aggregate classification.

PreventionGenetics, part of Exact Sciences
Classification: Uncertain significance. Last evaluated: 2013-10-21. Review status: criteria provided, single submitter. Criteria: ACMG Guidelines, 2015. Collection method: clinical testing. Allele origin: germline. Not counted in ClinVar's aggregate classification.

RYR1 database
No classification provided. Review status: no classification provided. Collection method: not provided. Allele origin: unknown. Not counted in ClinVar's aggregate classification.

Literature cited by the submitters: PubMed 16372898 (cited by 4 submitters).